The following is an entry in ClinVar:

ClinVar aggregate classification (germline): Pathogenic. Review status: criteria provided, multiple submitters, no conflicts (2 of 4 stars). 3 submissions from 3 submitters: Pathogenic (3). Last evaluated 2024-08-22.

Conditions:
Rubinstein-Taybi syndrome (RSTS). Identifiers: Orphanet 783, MedGen C0035934, MONDO:0019188.
Congenital heart anomalies.

Submissions (3):

Clinical Genetics Laboratory, Skane University Hospital Lund
Classification: Pathogenic. Last evaluated: 2024-08-22. Review status: criteria provided, single submitter. Criteria: ACMG Guidelines, 2015. Collection method: clinical testing. Allele origin: de novo. Inheritance: Autosomal dominant inheritance. Affected: yes.
Comment: PVS1, PS2, PS4_Moderate, PM2

Labcorp Genetics (formerly Invitae), Labcorp
Classification: Pathogenic for Rubinstein-Taybi syndrome. Last evaluated: 2024-04-10. Review status: criteria provided, single submitter. Criteria: Invitae Variant Classification Sherloc (09022015). Collection method: clinical testing. Allele origin: germline.
Comment: This sequence change creates a premature translational stop signal (p.Arg768*) in the CREBBP gene. It is expected to result in an absent or disrupted protein product. Loss-of-function variants in CREBBP are known to be pathogenic (PMID: 17052327, 18792986). This variant is not present in population databases (gnomAD no frequency). This premature translational stop signal has been observed in individual(s) with Rubinstein-Taybi syndrome (PMID: 18792986). ClinVar contains an entry for this variant (Variation ID: 379578). For these reasons, this variant has been classified as Pathogenic.

GeneDx
Classification: Pathogenic. Last evaluated: 2024-01-16. Review status: criteria provided, single submitter. Criteria: GeneDx Variant Classification Process June 2021. Collection method: clinical testing. Allele origin: germline. Affected: yes.
Comment: Reported in two patients in published literature, one of whom met diagnostic criteria for Rubinstein-Taybi syndrome and the other of whom had multiple congenital anomalies and dysmorphic features, but detailed clinical information and familial segregation information were not provided (PMID: 18792986, 35616356); Nonsense variant predicted to result in protein truncation or nonsense mediated decay in a gene for which loss of function is a known mechanism of disease; Not observed at significant frequency in large population cohorts (gnomAD); This variant is associated with the following publications: (PMID: 25525159, 35616356, 18792986)

Literature cited by the submitters: PubMed 17052327 (cited by Labcorp Genetics (formerly Invitae), Labcorp); PubMed 18792986 (cited by Labcorp Genetics (formerly Invitae), Labcorp).

NM_004380.3(CREBBP):c.2302C>T (p.Arg768Ter)

Gene: CREBBP (CREB binding lysine acetyltransferase; minus strand). Cytogenetic location: 16p13.3.
Variant type: single nucleotide variant.
Coding change: c.2302C>T on transcript NM_004380.3 (MANE Select); coding-DNA position 2302, C replaced by T.
Protein change: p.Arg768Ter; replaces arginine 768 with a stop codon.
Molecular consequence: nonsense.
Genome position (GRCh38, 1-based): chr16:3,773,912, G>A on the plus strand (C>T on the coding strand, the complement: CREBBP is on the minus strand). VCF-style: chr16-3773912-G-A. GRCh37 (hg19) VCF-style: chr16-3823913-G-A.
Other names: c.2188C>T, p.Arg730Ter (NM_001079846.1); short protein forms R768*, R730*.
Identifiers: ClinVar variation 379578 (VCV000379578.9), dbSNP rs1057520652, ClinGen allele CA16608189.